The following is an entry in ClinVar:

NM_006736.6(DNAJB2):c.175+1G>C

Gene: DNAJB2 (DnaJ heat shock protein family (Hsp40) member B2; plus strand). Cytogenetic location: 2q35.
Variant type: single nucleotide variant.
Coding change: c.175+1G>C on transcript NM_006736.6 (MANE Select); the canonical splice donor site of the intron after coding-DNA position 175, G replaced by C.
Molecular consequence: splice donor variant.
Genome position (GRCh38, 1-based): chr2:219,280,688, G>C. VCF-style: chr2-219280688-G-C. GRCh37 (hg19) VCF-style: chr2-220145410-G-C.
Other names: c.175+1G>C (NM_001039550.2).
Identifiers: ClinVar variation 2630116 (VCV002630116.1), dbSNP rs2545028296, ClinGen allele CA350646873.
Genomic context (GRCh38, chr2:219,280,688, plus strand): 5'-AAGAGTTTGCTGAGAAGAAATTTAAGGAGGTGGCCGAGGCATATGAAGTGCTGTCTGACA[G>C]TAAGGGCCGGGGTCAGGCAGGACCCAGCACATCACCCCCTACTTCATGCCCCAGCTCACA-3'

ClinVar aggregate classification (germline): Likely pathogenic (1 of 4 stars; one submission).

Conditions:
DNAJB2-related disorder. Also called: DNAJB2-related condition.

Submission:

PreventionGenetics, part of Exact Sciences
Classification: Likely pathogenic for DNAJB2-related condition. Last evaluated: 2023-02-02. Review status: criteria provided, single submitter. Criteria: ACMG Guidelines, 2015. Collection method: clinical testing. Allele origin: germline.
Comment: The DNAJB2 c.175+1G>C variant is predicted to disrupt the GT donor site and interfere with normal splicing. To our knowledge, this variant has not been reported in the literature or in a large population database, indicating this variant is rare. Variants that disrupt the consensus splice donor site in DNAJB2 are expected to be pathogenic. This variant is interpreted as likely pathogenic.